The following is an entry in ClinVar:

NM_000059.4(BRCA2):c.8029_8030del (p.Glu2677fs)

Gene: BRCA2 (BRCA2 DNA repair associated; plus strand). Cytogenetic location: 13q13.1.
Variant type: Deletion.
Coding change: c.8029_8030del on transcript NM_000059.4 (MANE Select); coding-DNA positions 8029 to 8030, 2 bases deleted (GA; older notation c.8029_8030delGA).
Protein change: p.Glu2677fs; shifts the reading frame from glutamic acid 2677.
Molecular consequence: frameshift variant.
Genome position (GRCh38, 1-based): chr13:32,363,231-32,363,232, GA deleted. VCF-style (leftmost placement, unchanged base first): chr13-32363230-GGA-G. GRCh37 (hg19) VCF-style: chr13-32937367-GGA-G.
Other names: 8257delGA-ter2679; c.8029_8030delGA (NM_000059.3).
Identifiers: ClinVar variation 52476 (VCV000052476.7), dbSNP rs397507955, ClinGen allele CA025412.
Genomic context (GRCh38, chr13:32,363,230, plus strand): 5'-CACTTTTAGATATGATACGGAAATTGATAGAAGCAGAAGATCGGCTATAAAAAAGATAAT[GGA>G]AAGGGATGACACAGCTGCAAAAACACTTGTTCTCTGTGTTTCTGACATAATTTCATTGAG-3'

ClinVar aggregate classification (germline): Pathogenic. Review status: reviewed by expert panel (3 of 4 stars). 2 submissions from 2 submitters: Pathogenic (1). 1 of the submissions does not count toward it. Last evaluated 2016-10-18.

Conditions:
Breast-ovarian cancer, familial, susceptibility to, 2 (BROVCA2). Also called: BRCA2 Hereditary Breast and Ovarian Cancer. Identifiers: Orphanet 145, MedGen C2675520, MONDO:0012933, OMIM 612555. Disease mechanism: loss of function.

Submissions (2):

Evidence-based Network for the Interpretation of Germline Mutant Alleles (ENIGMA)
Classification: Pathogenic for Breast-ovarian cancer, familial, susceptibility to, 2. Last evaluated: 2016-10-18. Review status: reviewed by expert panel. Criteria: ENIGMA BRCA1/2 Classification Criteria (2015). Collection method: curation. Allele origin: germline.
Comment: Variant allele predicted to encode a truncated non-functional protein.

Consortium of Investigators of Modifiers of BRCA1/2 (CIMBA), c/o University of Cambridge
Classification: Pathogenic for Breast-ovarian cancer, familial, susceptibility to, 2. Last evaluated: 2015-10-02. Review status: criteria provided, single submitter. Criteria: CIMBA Mutation Classification guidelines May 2016. Collection method: clinical testing. Allele origin: germline. Not counted in ClinVar's aggregate classification.